The following is an entry in ClinVar:

ClinVar aggregate classification (germline): Uncertain significance (1 of 4 stars; one submission).

Conditions:
Cardiovascular phenotype. Identifiers: MedGen CN230736.

Submission:

Ambry Genetics
Classification: Uncertain significance for Cardiovascular phenotype. Last evaluated: 2025-04-30. Review status: criteria provided, single submitter. Criteria: Ambry Variant Classification Scheme 2023. Collection method: clinical testing. Allele origin: germline.
Comment: The p.A312E variant (also known as c.935C>A), located in coding exon 8 of the TRPM4 gene, results from a C to A substitution at nucleotide position 935. The alanine at codon 312 is replaced by glutamic acid, an amino acid with dissimilar properties. This amino acid position is conserved. In addition, the in silico prediction for this alteration is inconclusive. Based on the available evidence, the clinical significance of this variant remains unclear.

NM_017636.4(TRPM4):c.935C>A (p.Ala312Glu)

Gene: TRPM4 (transient receptor potential cation channel subfamily M member 4; plus strand). Cytogenetic location: 19q13.33.
Variant type: single nucleotide variant.
Coding change: c.935C>A on transcript NM_017636.4 (MANE Select); coding-DNA position 935, C replaced by A.
Protein change: p.Ala312Glu; replaces alanine 312 with glutamic acid.
Molecular consequence: missense variant. On other transcripts: 5 prime UTR variant (1).
Genome position (GRCh38, 1-based): chr19:49,171,654, C>A. VCF-style: chr19-49171654-C-A. GRCh37 (hg19) VCF-style: chr19-49674911-C-A.
Other names: c.935C>A, p.Ala312Glu (NM_001195227.2); c.590C>A, p.Ala197Glu (NM_001321281.2); c.-619C>A (NM_001321282.2); c.413C>A, p.Ala138Glu (NM_001321283.2); c.86C>A, p.Ala29Glu (NM_001321285.2); short protein forms A197E, A29E, A312E, A138E.
Identifiers: ClinVar variation 3974271 (VCV003974271.1).
Genomic context (GRCh38, chr19:49,171,654, plus strand): 5'-CCCAGGCTCAGCTCCCATGTCTCCTCGTGGCTGGCTCAGGGGGAGCTGCGGACTGCCTGG[C>A]GGAGACCCTGGAAGACACTCTGGCCCCAGGGAGTGGGGGAGCCAGGCAAGGCGAAGCCCG-3'
Protein context (NP_060106.2, residues 302-322): AGSGGAADCL[Ala312Glu]ETLEDTLAPG